The following is an entry in ClinVar:

NM_030665.4(RAI1):c.3254G>A (p.Gly1085Glu)

Gene: RAI1 (retinoic acid induced 1; plus strand). Cytogenetic location: 17p11.2.
Variant type: single nucleotide variant.
Coding change: c.3254G>A on transcript NM_030665.4 (MANE Select); coding-DNA position 3254, G replaced by A.
Protein change: p.Gly1085Glu; replaces glycine 1085 with glutamic acid.
Molecular consequence: missense variant.
Genome position (GRCh38, 1-based): chr17:17,796,202, G>A. VCF-style: chr17-17796202-G-A. GRCh37 (hg19) VCF-style: chr17-17699516-G-A.
Other names: c.3254G>A (NM_030665.3); short protein forms G1085E.
Identifiers: ClinVar variation 1415925 (VCV001415925.10), dbSNP rs756454905, ClinGen allele CA8418694.

ClinVar aggregate classification (germline): Conflicting classifications of pathogenicity. Review status: criteria provided, conflicting classifications (1 of 4 stars). 2 submissions from 2 submitters: Uncertain significance (1); Benign (1). Last evaluated 2026-07-28.

Conditions:
RAI1-related disorder. Also called: RAI1-related condition.

Allele frequency attached by ClinVar (database versions not stated): gnomAD exomes 0.00001.
gnomAD v4.1: 4 of 1,554,468 alleles (0.00026%); highest among the groups gnomAD compares: Admixed American, 0.0076%; no homozygotes.

Submissions (2):

PreventionGenetics, part of Exact Sciences
Classification: Uncertain significance for RAI1-related condition. Last evaluated: 2026-07-28. Review status: criteria provided, single submitter. Criteria: ACMG Guidelines, 2015. Collection method: clinical testing. Allele origin: germline.
Comment: The RAI1 c.3254G>A variant is predicted to result in the amino acid substitution p.Gly1085Glu. To our knowledge, this variant has not been reported in the literature. This variant is reported in 0.015% of alleles in individuals of Latino descent in gnomAD. Although we suspect that this variant may be benign, at this time, the clinical significance of this variant is uncertain due to the absence of conclusive functional and genetic evidence.

Labcorp Genetics (formerly Invitae), Labcorp
Classification: Benign. Last evaluated: 2024-05-21. Review status: criteria provided, single submitter. Criteria: Invitae Variant Classification Sherloc (09022015). Collection method: clinical testing. Allele origin: germline.